The following is an entry in ClinVar:

NM_001365999.1(SZT2):c.10033T>C (p.Phe3345Leu)

Gene: SZT2 (SZT2 subunit of KICSTOR complex; plus strand). Cytogenetic location: 1p34.2.
Variant type: single nucleotide variant.
Coding change: c.10033T>C on transcript NM_001365999.1 (MANE Select); coding-DNA position 10033, T replaced by C.
Protein change: p.Phe3345Leu; replaces phenylalanine 3345 with leucine.
Molecular consequence: missense variant.
Genome position (GRCh38, 1-based): chr1:43,448,675, T>C. VCF-style: chr1-43448675-T-C. GRCh37 (hg19) VCF-style: chr1-43914346-T-C.
Other names: c.9862T>C, p.Phe3288Leu (NM_015284.4); short protein forms F3288L, F3345L.
Identifiers: ClinVar variation 1704194 (VCV001704194.2), dbSNP rs2545871061, ClinGen allele CA340046565.
Genomic context (GRCh38, chr1:43,448,675, plus strand): 5'-TGCTTCCTATCCATGACGGTCTCCTGGTACCAGAGCCTGATCAAAGTTCTCCTAAGCCGC[T>C]TCCCCCAGAGCTGTCGCCATTTCCAAAGCCCAGACTTGGGAACTCAGTACCTGGTAAGTC-3'
Protein context (NP_001352928.1, residues 3335-3355): QSLIKVLLSR[Phe3345Leu]PQSCRHFQSP

ClinVar aggregate classification (germline): Uncertain significance (1 of 4 stars; one submission).

Submission:

GeneDx
Classification: Uncertain significance. Last evaluated: 2022-02-28. Review status: criteria provided, single submitter. Criteria: GeneDx Variant Classification Process June 2021. Collection method: clinical testing. Allele origin: germline. Affected: yes.
Comment: Not observed at significant frequency in large population cohorts (gnomAD); In silico analysis supports that this missense variant has a deleterious effect on protein structure/function; Has not been previously published as pathogenic or benign to our knowledge